The following is an entry in ClinVar:

NM_001378778.1(MPDZ):c.326G>C (p.Gly109Ala)

Gene: MPDZ (multiple PDZ domain crumbs cell polarity complex component; minus strand). Cytogenetic location: 9p23.
Variant type: single nucleotide variant.
Coding change: c.326G>C on transcript NM_001378778.1 (MANE Select); coding-DNA position 326, G replaced by C.
Protein change: p.Gly109Ala; replaces glycine 109 with alanine.
Molecular consequence: missense variant.
Genome position (GRCh38, 1-based): chr9:13,224,441, C>G on the plus strand (G>C on the coding strand, the complement: MPDZ is on the minus strand). VCF-style: chr9-13224441-C-G. GRCh37 (hg19) VCF-style: chr9-13224440-C-G.
Other names: c.326G>C, p.Gly109Ala (NM_001261406.2, NM_001261407.2, NM_001330637.2 and 14 more transcripts); short protein forms G109A.
Identifiers: ClinVar variation 2081134 (VCV002081134.4), dbSNP rs1015461119, ClinGen allele CA372948115.

ClinVar aggregate classification (germline): Uncertain significance (1 of 4 stars; one submission).

Submission:

Labcorp Genetics (formerly Invitae), Labcorp
Classification: Uncertain significance. Last evaluated: 2022-07-18. Review status: criteria provided, single submitter. Criteria: Invitae Variant Classification Sherloc (09022015). Collection method: clinical testing. Allele origin: germline.
Comment: In summary, the available evidence is currently insufficient to determine the role of this variant in disease. Therefore, it has been classified as a Variant of Uncertain Significance. Algorithms developed to predict the effect of missense changes on protein structure and function (SIFT, PolyPhen-2, Align-GVGD) all suggest that this variant is likely to be tolerated. This variant has not been reported in the literature in individuals affected with MPDZ-related conditions. This variant is not present in population databases (gnomAD no frequency). This sequence change replaces glycine, which is neutral and non-polar, with alanine, which is neutral and non-polar, at codon 109 of the MPDZ protein (p.Gly109Ala).